The following is an entry in ClinVar:

NM_007194.4(CHEK2):c.72C>T (p.Ser24=)

Gene: CHEK2 (checkpoint kinase 2; minus strand). Cytogenetic location: 22q12.1.
Variant type: single nucleotide variant.
Coding change: c.72C>T on transcript NM_007194.4 (MANE Select); coding-DNA position 72, C replaced by T.
Protein change: p.Ser24=; no amino-acid change (serine 24 retained).
Molecular consequence: synonymous variant.
Genome position (GRCh38, 1-based): chr22:28,734,650, G>A on the plus strand (C>T on the coding strand, the complement: CHEK2 is on the minus strand). VCF-style: chr22-28734650-G-A. GRCh37 (hg19) VCF-style: chr22-29130638-G-A.
Other names: c.72C>T, p.Ser24= (NM_001005735.3, NM_001349956.3, NM_145862.3); c.-706C>T (NM_001257387.3).
Identifiers: ClinVar variation 415926 (VCV000415926.18), dbSNP rs759679862, ClinGen allele CA10168078.

ClinVar aggregate classification (germline): Benign/Likely benign. Review status: criteria provided, multiple submitters, no conflicts (2 of 4 stars). 6 submissions from 6 submitters: Benign (1); Likely benign (5). Last evaluated 2026-06-04.

Conditions:
Hereditary nonpolyposis colon cancer (HNPCC). Also called: Hereditary Nonpolyposis Colorectal Cancer Syndrome; Hereditary nonpolyposis colorectal cancer; Familial nonpolyposis colon cancer. Identifiers: Orphanet 443909, MedGen C1333990, MONDO:0018630. Disease mechanism: loss of function.
Hereditary cancer-predisposing syndrome. Also called: Hereditary Cancer Syndrome; Tumor predisposition; Hereditary neoplastic syndrome; Neoplastic Syndromes, Hereditary. Identifiers: Orphanet 140162, MedGen C0027672, MeSH D009386, MONDO:0015356.
Familial cancer of breast. Also called: Hereditary breast cancer; BREAST CANCER, FAMILIAL; hereditary breast carcinoma. Identifiers: Orphanet 227535, MedGen C0346153, MONDO:0016419, OMIM 114480. Disease mechanism: loss of function.

Allele frequency attached by ClinVar (database versions not stated): gnomAD exomes below 0.00001; ExAC 0.00001; TOPMed below 0.00001.
gnomAD v4.1: 1 of 1,613,950 alleles (0.000062%); highest among the groups gnomAD compares: South Asian, 0.0011%; no homozygotes.

Submissions (6):

Ambry Genetics
Classification: Likely benign for Hereditary cancer-predisposing syndrome. Last evaluated: 2026-06-04. Review status: criteria provided, single submitter. Criteria: Ambry Variant Classification Scheme 2023. Collection method: clinical testing. Allele origin: germline.

Labcorp Genetics (formerly Invitae), Labcorp
Classification: Likely benign for Familial cancer of breast. Last evaluated: 2025-05-06. Review status: criteria provided, single submitter. Criteria: Invitae Variant Classification Sherloc (09022015). Collection method: clinical testing. Allele origin: germline.

Myriad Genetics, Inc.
Classification: Benign for Familial cancer of breast. Last evaluated: 2024-10-01. Review status: criteria provided, single submitter. Criteria: Myriad Autosomal Dominant, Autosomal Recessive and X-Linked Classification Criteria (2023). Collection method: clinical testing. Allele origin: unknown.
Comment: This variant is considered benign. This variant is a silent/synonymous amino acid change and it is not expected to impact splicing.

Department of Pathology and Laboratory Medicine, Sinai Health System
Classification: Likely benign for hereditary nonpolyposis colon cancer. Last evaluated: 2024-06-06. Review status: criteria provided, single submitter. Criteria: ACMG Guidelines, 2015. Collection method: clinical testing. Allele origin: germline. Affected: no.

Women's Health and Genetics/Laboratory Corporation of America, LabCorp
Classification: Likely benign. Last evaluated: 2024-04-20. Review status: criteria provided, single submitter. Criteria: LabCorp Variant Classification Summary - May 2015. Collection method: clinical testing. Allele origin: germline.

Color Diagnostics, LLC DBA Color Health
Classification: Likely benign for Hereditary cancer-predisposing syndrome. Last evaluated: 2018-03-13. Review status: criteria provided, single submitter. Criteria: ACMG Guidelines, 2015. Collection method: clinical testing. Allele origin: germline.